The following is an entry in ClinVar:

ClinVar aggregate classification (germline): Uncertain significance (1 of 4 stars; one submission).

Conditions:
Cardiovascular phenotype. Identifiers: MedGen CN230736.

Submission:

Ambry Genetics
Classification: Uncertain significance for Cardiovascular phenotype. Last evaluated: 2025-11-09. Review status: criteria provided, single submitter. Criteria: Ambry Variant Classification Scheme 2023. Collection method: clinical testing. Allele origin: germline.
Comment: The p.I423S variant (also known as c.1268T>G), located in coding exon 9 of the CBL gene, results from a T to G substitution at nucleotide position 1268. The isoleucine at codon 423 is replaced by serine, an amino acid with dissimilar properties. This amino acid position is conserved. In addition, this alteration is predicted to be deleterious by in silico analysis. Based on the available evidence, the clinical significance of this variant remains unclear.

NM_005188.4(CBL):c.1268T>G (p.Ile423Ser)

Gene: CBL (Cbl proto-oncogene; plus strand). Cytogenetic location: 11q23.3.
Variant type: single nucleotide variant.
Coding change: c.1268T>G on transcript NM_005188.4 (MANE Select); coding-DNA position 1268, T replaced by G.
Protein change: p.Ile423Ser; replaces isoleucine 423 with serine.
Molecular consequence: missense variant.
Genome position (GRCh38, 1-based): chr11:119,278,550, T>G. VCF-style: chr11-119278550-T-G. GRCh37 (hg19) VCF-style: chr11-119149260-T-G.
Other names: short protein forms I423S.
Identifiers: ClinVar variation 4613864 (VCV004613864.1).